The following is an entry in ClinVar:

ClinVar aggregate classification (germline): Uncertain significance (1 of 4 stars; one submission).

Conditions:
Pilarowski-Bjornsson syndrome. Also called: DEVELOPMENTAL DELAY AND SPEECH APRAXIA WITH OR WITHOUT SEIZURES. Identifiers: Orphanet 529965, MedGen C4540131, MONDO:0060568, OMIM 617682.

Submission:

MVZ Medizinische Genetik Mainz
Classification: Uncertain significance for Pilarowski-Bjornsson syndrome. Last evaluated: 2024-11-18. Review status: criteria provided, single submitter. Criteria: UK Practice Guidelines For Variant Classification V4 01 2020. Collection method: clinical testing. Allele origin: germline. Inheritance: Autosomal dominant inheritance. Affected: yes. Observed: 1 variant allele.
Comment: ACMG Criteria: PVS1_MOD,PM2_SUP

NM_001270.4(CHD1):c.1633_1636del (p.Trp545fs)

Gene: CHD1 (chromodomain helicase DNA binding protein 1; minus strand). Cytogenetic location: 5q15.
Variant type: Deletion.
Coding change: c.1633_1636del on transcript NM_001270.4 (MANE Select); coding-DNA positions 1633 to 1636, 4 bases deleted (TGGC; older notation c.1633_1636delTGGC).
Protein change: p.Trp545fs; shifts the reading frame from tryptophan 545.
Molecular consequence: frameshift variant. On other transcripts: non-coding transcript variant (2).
Genome position (GRCh38, 1-based): chr5:98,896,300-98,896,303, GCCA deleted on the plus strand (TGGC on the coding strand, the reverse complement: CHD1 is on the minus strand); deleting any 4 consecutive bases within chr5:98,896,300-98,896,304 gives the same sequence; the c. name uses the placement nearest the transcript's 3' end. VCF-style (leftmost placement, unchanged base first): chr5-98896299-TGCCA-T. GRCh37 (hg19) VCF-style: chr5-98232003-TGCCA-T.
Other names: c.1633_1636del, p.Trp545fs (NM_001364113.3, NM_001376194.2); short protein forms W545fs.
Identifiers: ClinVar variation 3383234 (VCV003383234.1).
Genomic context (GRCh38, chr5:98,896,299, plus strand): 5'-TTAATGTCACCTAAATAAACCACAGCATTCATTTGAGAAGCCCAAGTCTGAATTTCCCTT[TGCCA>T]GGAAGTAAGAGTGGAGAGCGGTACTACCAATAAAAAAGGTCCATATAATTGATGTTCATG-3'